The following is an entry in ClinVar:

NM_001875.5(CPS1):c.3132C>A (p.Tyr1044Ter)

Gene: CPS1 (carbamoyl-phosphate synthase 1; plus strand). Cytogenetic location: 2q34.
Variant type: single nucleotide variant.
Coding change: c.3132C>A on transcript NM_001875.5 (MANE Select); coding-DNA position 3132, C replaced by A.
Protein change: p.Tyr1044Ter; replaces tyrosine 1044 with a stop codon.
Molecular consequence: nonsense. On other transcripts: non-coding transcript variant (2).
Genome position (GRCh38, 1-based): chr2:210,642,656, C>A. VCF-style: chr2-210642656-C-A. GRCh37 (hg19) VCF-style: chr2-211507380-C-A.
Other names: c.3132C>A, p.Tyr1044Ter (NM_001122633.3, NM_001369257.1); c.3165C>A, p.Tyr1055Ter (NM_001369256.1); short protein forms Y1044*, Y1055*.
Identifiers: ClinVar variation 983911 (VCV000983911.3), dbSNP rs1700264768, ClinGen allele CA350434469.
Genomic context (GRCh38, chr2:210,642,656, plus strand): 5'-TGATGAGTGTGACAAACTGTACTTTGAAGAGTTGTCCTTGGAGAGAATCCTAGACATCTA[C>A]CATCAGGAGGTAAGAAAAGAAAAACAGAAAAAAAAGAAAAAAGAAGACAGATATATGTAG-3'

ClinVar aggregate classification (germline): Likely pathogenic (1 of 4 stars; one submission).

Conditions:
Congenital hyperammonemia, type I. Also called: Carbamoyl phosphate synthetase I deficiency disease; Carbamoyl phosphate synthetase 1 deficiency; Hyperammonemia due to carbamoyl phosphate synthetase 1 deficiency; CPS 1 deficiency; Carbamyl phosphate synthetase (CPS) deficiency; Carbamoyl-phosphate synthase I deficiency. Identifiers: Orphanet 147, MedGen C4082171, MONDO:0009376, OMIM 237300.

Submission:

Myriad Genetics, Inc.
Classification: Likely pathogenic for Congenital hyperammonemia, type I. Last evaluated: 2019-10-17. Review status: criteria provided, single submitter. Criteria: Myriad Women's Health Autosomal Recessive and X-Linked Classification Criteria (2019). Collection method: clinical testing. Allele origin: unknown.
Comment: NM_001875.4(CPS1):c.3132C>A(Y1044*) is expected to be pathogenic in the context of carbamoylphosphate synthetase I deficiency. This variant is predicted to lead to an abnormal or absent protein product due to the creation of a premature termination codon in CPS1, a gene where loss-of-function variants are known to be pathogenic. Please note: this variant was assessed in the context of healthy population screening.